The following is an entry in ClinVar:

NM_205836.3(FBXO38):c.1859G>A (p.Arg620Gln)

Gene: FBXO38 (F-box protein 38; plus strand). Cytogenetic location: 5q32.
Variant type: single nucleotide variant.
Coding change: c.1859G>A on transcript NM_205836.3 (MANE Select); coding-DNA position 1859, G replaced by A.
Protein change: p.Arg620Gln; replaces arginine 620 with glutamine.
Molecular consequence: missense variant.
Genome position (GRCh38, 1-based): chr5:148,425,642, G>A. VCF-style: chr5-148425642-G-A. GRCh37 (hg19) VCF-style: chr5-147805205-G-A.
Other names: c.1859G>A, p.Arg620Gln (NM_001271723.2, NM_030793.5); short protein forms R620Q.
Identifiers: ClinVar variation 549698 (VCV000549698.11), dbSNP rs766830490, ClinGen allele CA3497398.

ClinVar aggregate classification (germline): Uncertain significance. Review status: criteria provided, single submitter (1 of 4 stars). 2 submissions from 2 submitters: Uncertain significance (1). 1 of the submissions does not count toward it. Last evaluated 2024-02-17.

Conditions:
Distal spinal muscular atrophy. Also called: Distal hereditary motor neuropathy; Distal hereditary motor neuronopathy. Identifiers: Orphanet 53739, MedGen C0393541, MONDO:0018894.
Distal hereditary motor neuropathy type 2. Identifiers: Orphanet 139525, MedGen C3711384, MeSH C580044, MONDO:0015352.

Allele frequency attached by ClinVar (database versions not stated): ExAC 0.00001; gnomAD exomes 0.00001; TOPMed 0.00003.
gnomAD v4.1: 16 of 1,614,008 alleles (0.00099%); highest among the groups gnomAD compares: Admixed American, 0.0017%; no homozygotes.

Submissions (2):

Labcorp Genetics (formerly Invitae), Labcorp
Classification: Uncertain significance for Distal hereditary motor neuropathy type 2. Last evaluated: 2024-02-17. Review status: criteria provided, single submitter. Criteria: Invitae Variant Classification Sherloc (09022015). Collection method: clinical testing. Allele origin: germline.
Comment: This sequence change replaces arginine, which is basic and polar, with glutamine, which is neutral and polar, at codon 620 of the FBXO38 protein (p.Arg620Gln). This variant is present in population databases (rs766830490, gnomAD 0.004%). This variant has not been reported in the literature in individuals affected with FBXO38-related conditions. ClinVar contains an entry for this variant (Variation ID: 549698). Advanced modeling of protein sequence and biophysical properties (such as structural, functional, and spatial information, amino acid conservation, physicochemical variation, residue mobility, and thermodynamic stability) performed at Invitae indicates that this missense variant is not expected to disrupt FBXO38 protein function with a negative predictive value of 80%. In summary, the available evidence is currently insufficient to determine the role of this variant in disease. Therefore, it has been classified as a Variant of Uncertain Significance.

Institute of Human Genetics, Cologne University
Classification: Uncertain significance for Distal spinal muscular atrophy. Last evaluated: 2018-04-26. Review status: no assertion criteria provided. Collection method: clinical testing. Allele origin: unknown. Affected: yes. Not counted in ClinVar's aggregate classification.